The following is an entry in ClinVar:

NM_002227.4(JAK1):c.3361C>T (p.Pro1121Ser)

Gene: JAK1 (Janus kinase 1; minus strand). Cytogenetic location: 1p31.3.
Variant type: single nucleotide variant.
Coding change: c.3361C>T on transcript NM_002227.4 (MANE Select); coding-DNA position 3361, C replaced by T.
Protein change: p.Pro1121Ser; replaces proline 1121 with serine.
Molecular consequence: missense variant.
Genome position (GRCh38, 1-based): chr1:64,835,404, G>A on the plus strand (C>T on the coding strand, the complement: JAK1 is on the minus strand). VCF-style: chr1-64835404-G-A. GRCh37 (hg19) VCF-style: chr1-65301087-G-A.
Other names: c.3361C>T, p.Pro1121Ser (NM_001320923.2, NM_001321852.2, NM_001321853.2 and 3 more transcripts); c.3358C>T, p.Pro1120Ser (NM_001321857.2); c.3361C>T (NM_002227.2); short protein forms P1120S, P1121S.
Identifiers: ClinVar variation 2064977 (VCV002064977.5), dbSNP rs1413899535, ClinGen allele CA340660118.

ClinVar aggregate classification (germline): Uncertain significance. Review status: criteria provided, multiple submitters, no conflicts (2 of 4 stars). 2 submissions from 2 submitters: Uncertain significance (2). Last evaluated 2025-07-03.

Conditions:
Inborn genetic diseases. Identifiers: MedGen C0950123, MeSH D030342.

gnomAD v4.1: 8 of 1,578,622 alleles (0.00051%); highest among the groups gnomAD compares: Non-Finnish European, 0.00069%; no homozygotes.

Submissions (2):

Labcorp Genetics (formerly Invitae), Labcorp
Classification: Uncertain significance. Last evaluated: 2025-07-03. Review status: criteria provided, single submitter. Criteria: Invitae Variant Classification Sherloc (09022015). Collection method: clinical testing. Allele origin: germline.
Comment: This sequence change replaces proline, which is neutral and non-polar, with serine, which is neutral and polar, at codon 1121 of the JAK1 protein (p.Pro1121Ser). This variant is present in population databases (no rsID available, gnomAD 0.0009%). This variant has not been reported in the literature in individuals affected with JAK1-related conditions. ClinVar contains an entry for this variant (Variation ID: 2064977). Invitae Evidence Modeling of protein sequence and biophysical properties (such as structural, functional, and spatial information, amino acid conservation, physicochemical variation, residue mobility, and thermodynamic stability) indicates that this missense variant is not expected to disrupt JAK1 protein function with a negative predictive value of 80%. In summary, the available evidence is currently insufficient to determine the role of this variant in disease. Therefore, it has been classified as a Variant of Uncertain Significance.

Ambry Genetics
Classification: Uncertain significance for Inborn genetic diseases. Last evaluated: 2025-05-20. Review status: criteria provided, single submitter. Criteria: Ambry Variant Classification Scheme 2023. Collection method: clinical testing. Allele origin: germline.